The following is an entry in ClinVar:

NM_001519.4(BRF1):c.1941T>C (p.Pro647=)

Gene: BRF1 (BRF1 general transcription factor IIIB subunit; minus strand). Cytogenetic location: 14q32.33.
Variant type: single nucleotide variant.
Coding change: c.1941T>C on transcript NM_001519.4 (MANE Select); coding-DNA position 1941, T replaced by C.
Protein change: p.Pro647=; no amino-acid change (proline 647 retained).
Molecular consequence: synonymous variant.
Genome position (GRCh38, 1-based): chr14:105,211,177, A>G on the plus strand (T>C on the coding strand, the complement: BRF1 is on the minus strand). VCF-style: chr14-105211177-A-G. GRCh37 (hg19) VCF-style: chr14-105677514-A-G.
Other names: c.1662T>C, p.Pro554= (NM_001242786.2); c.1596T>C, p.Pro532= (NM_001242787.2); c.1860T>C, p.Pro620= (NM_001242788.2); c.1227T>C, p.Pro409= (NM_001242789.2); c.1329T>C, p.Pro443= (NM_145685.3).
Identifiers: ClinVar variation 3030943 (VCV003030943.2), dbSNP rs1008540253, ClinGen allele CA488205598.
Genomic context (GRCh38, chr14:105,211,177, plus strand): 5'-CCCACCGTTGCTGCCCATCATCTGCAGGGCACTGACGCAGGGCTCCCCGTCCTCCTCGTC[A>G]GGCTCCTCCTCGTCAGCCTCCTCGTCGGCGTGGTATGACACGGGCCCGCTCTCCACCAGC-3'
Protein context (NP_001510.2, residues 637-657): HADEEADEEE[Pro647=]DEEDGEPCVS

ClinVar aggregate classification (germline): Likely benign (0 of 4 stars; one submission).

Conditions:
BRF1-related disorder. Also called: BRF1-related condition.

Allele frequency attached by ClinVar (database versions not stated): gnomAD exomes below 0.00001.
gnomAD v4.1: 4 of 1,612,406 alleles (0.00025%); highest among the groups gnomAD compares: Non-Finnish European, 0.00034%; no homozygotes.

Submission:

PreventionGenetics, part of Exact Sciences
Classification: Likely benign for BRF1-related condition. Last evaluated: 2021-07-26. Review status: no assertion criteria provided. Collection method: clinical testing. Allele origin: germline.
Comment: This variant is classified as likely benign based on ACMG/AMP sequence variant interpretation guidelines (Richards et al. 2015 PMID: 25741868, with internal and published modifications).